The following is an entry in ClinVar:

ClinVar aggregate classification (germline): Uncertain significance (1 of 4 stars; one submission).

Allele frequency attached by ClinVar (database versions not stated): TOPMed below 0.00001 and 0.00001; gnomAD 0.00001.
gnomAD v4.1: 3 of 1,613,158 alleles (0.00019%); highest among the groups gnomAD compares: Non-Finnish European, 0.00025%; no homozygotes.

Submission:

ARUP Laboratories, Molecular Genetics and Genomics, ARUP Laboratories
Classification: Uncertain significance. Last evaluated: 2018-05-05. Review status: criteria provided, single submitter. Criteria: ARUP Molecular Germline Variant Investigation Process. Collection method: clinical testing. Allele origin: germline.
Comment: The TTN c.59447G>A; p.Ser19816Asn variant is rare in the general population (<1% allele frequency in the Genome Aggregation Database) and has not been reported in the medical literature in association with dilated cardiomyopathy (DCM) or other TTN-related disease. The clinical relevance of rare missense variants in this gene, which are identified on average once per individual sequenced in affected populations (Herman 2012), is not well understood. While the clinical significance of such variants is considered uncertain, evidence suggests that the vast majority of missense variants do not contribute to the clinical outcome of DCM (Begay 2015). Given the available evidence, the clinical significance of the p.Ser19816Asn variant cannot be determined with certainty.

NM_001267550.2(TTN):c.67151G>A (p.Ser22384Asn)

Genes: TTN (titin; minus strand), TTN-AS1 (TTN antisense RNA 1; plus strand). Cytogenetic location: 2q31.2.
Variant type: single nucleotide variant.
Coding change: c.67151G>A on transcript NM_001267550.2 (MANE Select); coding-DNA position 67151, G replaced by A.
Protein change: p.Ser22384Asn; replaces serine 22384 with asparagine.
Molecular consequence: missense variant.
Genome position (GRCh38, 1-based): chr2:178,580,136, C>T on the plus strand (G>A on the coding strand, the complement: TTN is on the minus strand). VCF-style: chr2-178580136-C-T. GRCh37 (hg19) VCF-style: chr2-179444863-C-T.
Other names: c.62228G>A, p.Ser20743Asn (NM_001256850.1); c.39956G>A, p.Ser13319Asn (NM_003319.4); c.59447G>A, p.Ser19816Asn (NM_133378.4); c.40331G>A, p.Ser13444Asn (NM_133432.3); c.40532G>A, p.Ser13511Asn (NM_133437.4); short protein forms S19816N, S22384N, S13444N, S13511N, S20743N, S13319N.
Identifiers: ClinVar variation 618460 (VCV000618460.8), dbSNP rs1451120123, ClinGen allele CA349424377.